The following is an entry in ClinVar:

NM_018109.4(MTPAP):c.17T>C (p.Val6Ala)

Genes: MTPAP (mitochondrial poly(A) polymerase; minus strand), LOC130003598 (ATAC-STARR-seq lymphoblastoid active region 3207; plus strand). Cytogenetic location: 10p11.23.
Variant type: single nucleotide variant.
Coding change: c.17T>C on transcript NM_018109.4 (MANE Select); coding-DNA position 17, T replaced by C.
Protein change: p.Val6Ala; replaces valine 6 with alanine.
Molecular consequence: missense variant.
Genome position (GRCh38, 1-based): chr10:30,349,259, A>G on the plus strand (T>C on the coding strand, the complement: MTPAP is on the minus strand). VCF-style: chr10-30349259-A-G. GRCh37 (hg19) VCF-style: chr10-30638188-A-G.
Other names: c.17T>C (NM_018109.3); short protein forms V6A.
Identifiers: ClinVar variation 2164338 (VCV002164338.5), dbSNP rs200030815, ClinGen allele CA5459301.

ClinVar aggregate classification (germline): Uncertain significance. Review status: criteria provided, multiple submitters, no conflicts (2 of 4 stars). 2 submissions from 2 submitters: Uncertain significance (2). Last evaluated 2023-12-11.

Conditions:
Inborn genetic diseases. Identifiers: MedGen C0950123, MeSH D030342.

Allele frequency attached by ClinVar (database versions not stated): gnomAD 0.00002; TOPMed 0.00004; ExAC 0.00008; 1000 Genomes Project 0.00020.
gnomAD v4.1: 16 of 1,402,678 alleles (0.0011%); highest among the groups gnomAD compares: East Asian, 0.034%; no homozygotes.

Submissions (2):

Labcorp Genetics (formerly Invitae), Labcorp
Classification: Uncertain significance. Last evaluated: 2023-12-11. Review status: criteria provided, single submitter. Criteria: Invitae Variant Classification Sherloc (09022015). Collection method: clinical testing. Allele origin: germline.
Comment: This sequence change replaces valine, which is neutral and non-polar, with alanine, which is neutral and non-polar, at codon 6 of the MTPAP protein (p.Val6Ala). The frequency data for this variant in the population databases is considered unreliable, as metrics indicate poor data quality at this position in the gnomAD database. This variant has not been reported in the literature in individuals affected with MTPAP-related conditions. ClinVar contains an entry for this variant (Variation ID: 2164338). Algorithms developed to predict the effect of missense changes on protein structure and function output the following: SIFT: "Not Available"; PolyPhen-2: "Benign"; Align-GVGD: "Not Available". The alanine amino acid residue is found in multiple mammalian species, which suggests that this missense change does not adversely affect protein function. In summary, the available evidence is currently insufficient to determine the role of this variant in disease. Therefore, it has been classified as a Variant of Uncertain Significance.

Ambry Genetics
Classification: Uncertain significance for Inborn genetic diseases. Last evaluated: 2022-07-29. Review status: criteria provided, single submitter. Criteria: Ambry Variant Classification Scheme 2023. Collection method: clinical testing. Allele origin: germline.